The following is an entry in ClinVar:

ClinVar aggregate classification (germline): Uncertain significance. Review status: criteria provided, multiple submitters, no conflicts (2 of 4 stars). 3 submissions from 3 submitters: Uncertain significance (3). Last evaluated 2026-01-28.

Conditions:
Familial thoracic aortic aneurysm and aortic dissection (TAAD). Also called: Thoracic aortic aneurysms and dissections. Identifiers: Orphanet 91387, MedGen C4707243, MONDO:0019625.
Congenital contractural arachnodactyly (CCA). Also called: BEALS SYNDROME; Beals-Hecht syndrome; Arthrogryposis, distal, type 9. Identifiers: Orphanet 115, MedGen C0220668, MONDO:0007363, OMIM 121050.

Allele frequency attached by ClinVar (database versions not stated): gnomAD 0.00001 and 0.00003; gnomAD exomes 0.00001; ExAC 0.00002; TOPMed 0.00002.

Submissions (3):

Labcorp Genetics (formerly Invitae), Labcorp
Classification: Uncertain significance for Congenital contractural arachnodactyly. Last evaluated: 2026-01-28. Review status: criteria provided, single submitter. Criteria: Invitae Variant Classification Sherloc (09022015). Collection method: clinical testing. Allele origin: germline.
Comment: This sequence change replaces asparagine, which is neutral and polar, with histidine, which is basic and polar, at codon 1499 of the FBN2 protein (p.Asn1499His). This variant is present in population databases (rs771260299, gnomAD 0.002%). This variant has not been reported in the literature in individuals affected with FBN2-related conditions. ClinVar contains an entry for this variant (Variation ID: 263771). Invitae Evidence Modeling of protein sequence and biophysical properties (such as structural, functional, and spatial information, amino acid conservation, physicochemical variation, residue mobility, and thermodynamic stability) indicates that this missense variant is not expected to disrupt FBN2 protein function with a negative predictive value of 80%. In summary, the available evidence is currently insufficient to determine the role of this variant in disease. Therefore, it has been classified as a Variant of Uncertain Significance.

Ambry Genetics
Classification: Uncertain significance for Familial thoracic aortic aneurysm and aortic dissection. Last evaluated: 2024-04-11. Review status: criteria provided, single submitter. Criteria: Ambry Variant Classification Scheme 2023. Collection method: clinical testing. Allele origin: germline.
Comment: The p.N1499H variant (also known as c.4495A>C), located in coding exon 35 of the FBN2 gene, results from an A to C substitution at nucleotide position 4495. The asparagine at codon 1499 is replaced by histidine, an amino acid with similar properties. This amino acid position is well conserved in available vertebrate species. In addition, the in silico prediction for this alteration is inconclusive. Based on the available evidence, the clinical significance of this variant remains unclear.

GeneDx
Classification: Uncertain significance. Last evaluated: 2023-07-11. Review status: criteria provided, single submitter. Criteria: GeneDx Variant Classification Process June 2021. Collection method: clinical testing. Allele origin: germline. Affected: yes.
Comment: Has not been previously published as pathogenic or benign to our knowledge; Not observed at significant frequency in large population cohorts (gnomAD); In silico analysis supports that this missense variant has a deleterious effect on protein structure/function; Although located in a calcium-binding EGF-like domain of the FBN2 gene, it does not substitute or introduce a cysteine residue (Callewaert et al., 2008; Frederic et al., 2009); This variant is associated with the following publications: (PMID: 19006240, 18767143)

NM_001999.4(FBN2):c.4495A>C (p.Asn1499His)

Gene: FBN2 (fibrillin 2; minus strand). Cytogenetic location: 5q23.3.
Variant type: single nucleotide variant.
Coding change: c.4495A>C on transcript NM_001999.4 (MANE Select); coding-DNA position 4495, A replaced by C.
Protein change: p.Asn1499His; replaces asparagine 1499 with histidine.
Molecular consequence: missense variant.
Genome position (GRCh38, 1-based): chr5:128,318,978, T>G on the plus strand (A>C on the coding strand, the complement: FBN2 is on the minus strand). VCF-style: chr5-128318978-T-G. GRCh37 (hg19) VCF-style: chr5-127654670-T-G.
Other names: short protein forms N1499H.
Identifiers: ClinVar variation 263771 (VCV000263771.12), dbSNP rs771260299, ClinGen allele CA3394921.